The following is an entry in ClinVar:

ClinVar aggregate classification (germline): Uncertain significance (1 of 4 stars; one submission).

Conditions:
MC4R-related disorder. Also called: MC4R-related condition.

gnomAD v4.1: 1 of 1,614,086 alleles (0.000062%); highest among the groups gnomAD compares: African/African-American, 0.0013%; no homozygotes.

Submission:

PreventionGenetics, part of Exact Sciences
Classification: Uncertain significance for MC4R-related condition. Last evaluated: 2024-11-06. Review status: criteria provided, single submitter. Criteria: ACMG Guidelines, 2015. Collection method: clinical testing. Allele origin: germline.
Comment: The MC4R c.254G>T variant is predicted to result in the amino acid substitution p.Ser85Ile. This variant was identified in an individual with an unknown phenotype in a large unselected cohort, and functional in vitro analysis suggested that this variant results in complete loss-of-function (Wade et al. 2021. PubMed ID: 34045736). An alternative variant at the same codon (p.Ser85Gly) was observed in a patient with morbid obesity, together with another MC4R variant (p.Tyr268); functional studies indicated that both variants individually result in impaired protein function (Mohammed et al. 2023. PubMed ID: 38003551). The p.Ser85Ile variant is reported in 0.011% of alleles in individuals of African descent in gnomAD. Although we suspect that this variant may be pathogenic, at this time, the clinical significance of this variant is uncertain due to the absence of conclusive functional and genetic evidence.

NM_005912.3(MC4R):c.254G>T (p.Ser85Ile)

Gene: MC4R (melanocortin 4 receptor; minus strand). Cytogenetic location: 18q21.32.
Variant type: single nucleotide variant.
Coding change: c.254G>T on transcript NM_005912.3 (MANE Select); coding-DNA position 254, G replaced by T.
Protein change: p.Ser85Ile; replaces serine 85 with isoleucine.
Molecular consequence: missense variant.
Genome position (GRCh38, 1-based): chr18:60,372,096, C>A on the plus strand (G>T on the coding strand, the complement: MC4R is on the minus strand). VCF-style: chr18-60372096-C-A. GRCh37 (hg19) VCF-style: chr18-58039329-C-A.
Other names: short protein forms S85I.
Identifiers: ClinVar variation 4999633 (VCV004999633.1).